The following is an entry in ClinVar:

NM_006005.3(WFS1):c.232+5G>A

Gene: WFS1 (wolframin ER transmembrane glycoprotein; plus strand). Cytogenetic location: 4p16.1.
Variant type: single nucleotide variant.
Coding change: c.232+5G>A on transcript NM_006005.3 (MANE Select); 5 bases into the intron after coding-DNA position 232, G replaced by A.
Molecular consequence: intron variant.
Genome position (GRCh38, 1-based): chr4:6,277,692, G>A. VCF-style: chr4-6277692-G-A. GRCh37 (hg19) VCF-style: chr4-6279419-G-A.
Other names: c.232+5G>A (NM_001145853.1).
Identifiers: ClinVar variation 4771662 (VCV004771662.2).

ClinVar aggregate classification (germline): Uncertain significance. Review status: criteria provided, multiple submitters, no conflicts (2 of 4 stars). 2 submissions from 2 submitters: Uncertain significance (2). Last evaluated 2025-02-10.

gnomAD v4.1: 57 of 1,555,220 alleles (0.0037%); highest among the groups gnomAD compares: Non-Finnish European, 0.00061%; no homozygotes.

Submissions (2):

Labcorp Genetics (formerly Invitae), Labcorp
Classification: Uncertain significance. Last evaluated: 2025-02-10. Review status: criteria provided, single submitter. Criteria: Invitae Variant Classification Sherloc (09022015). Collection method: clinical testing. Allele origin: germline.
Comment: This sequence change falls in intron 2 of the WFS1 gene. It does not directly change the encoded amino acid sequence of the WFS1 protein. It affects a nucleotide within the consensus splice site. This variant is present in population databases (rs202025206, gnomAD 0.05%). This variant has not been reported in the literature in individuals affected with WFS1-related conditions. Variants that disrupt the consensus splice site are a relatively common cause of aberrant splicing (PMID: 17576681, 9536098). Algorithms developed to predict the effect of sequence changes on RNA splicing suggest that this variant is not likely to affect RNA splicing. In summary, the available evidence is currently insufficient to determine the role of this variant in disease. Therefore, it has been classified as a Variant of Uncertain Significance.

Blueprint Genetics
Classification: Uncertain significance. Last evaluated: 2023-12-05. Review status: criteria provided, single submitter. Criteria: ACMG Guidelines, 2015. Collection method: clinical testing. Allele origin: germline.

Literature cited by the submitters: PubMed 17576681 (cited by Labcorp Genetics (formerly Invitae), Labcorp); PubMed 9536098 (cited by Labcorp Genetics (formerly Invitae), Labcorp).